The following is an entry in ClinVar:

ClinVar aggregate classification (germline): Uncertain significance (1 of 4 stars; one submission).

Conditions:
Familial thoracic aortic aneurysm and aortic dissection (TAAD). Also called: Thoracic aortic aneurysms and dissections. Identifiers: Orphanet 91387, MedGen C4707243, MONDO:0019625.

gnomAD v4.1: 9 of 1,613,992 alleles (0.00056%); highest among the groups gnomAD compares: South Asian, 0.0077%; no homozygotes.

Submission:

Ambry Genetics
Classification: Uncertain significance for Familial thoracic aortic aneurysm and aortic dissection. Last evaluated: 2025-05-24. Review status: criteria provided, single submitter. Criteria: Ambry Variant Classification Scheme 2023. Collection method: clinical testing. Allele origin: germline.
Comment: The p.R644H variant (also known as c.1931G>A), located in coding exon 18 of the PLOD1 gene, results from a G to A substitution at nucleotide position 1931. The arginine at codon 644 is replaced by histidine, an amino acid with highly similar properties. This amino acid position is conserved. In addition, this alteration is predicted to be deleterious by in silico analysis. Since supporting evidence is limited at this time, the clinical significance of this alteration remains unclear.

NM_000302.4(PLOD1):c.1931G>A (p.Arg644His)

Gene: PLOD1 (procollagen-lysine,2-oxoglutarate 5-dioxygenase 1; plus strand). Cytogenetic location: 1p36.22.
Variant type: single nucleotide variant.
Coding change: c.1931G>A on transcript NM_000302.4 (MANE Select); coding-DNA position 1931, G replaced by A.
Protein change: p.Arg644His; replaces arginine 644 with histidine.
Molecular consequence: missense variant.
Genome position (GRCh38, 1-based): chr1:11,972,900, G>A. VCF-style: chr1-11972900-G-A. GRCh37 (hg19) VCF-style: chr1-12032957-G-A.
Other names: c.2072G>A, p.Arg691His (NM_001316320.2); short protein forms R691H, R644H.
Identifiers: ClinVar variation 2565002 (VCV002565002.3), dbSNP rs767500051, ClinGen allele CA18020768.